The following is an entry in ClinVar:

ClinVar aggregate classification (germline): Pathogenic (1 of 4 stars; one submission).

Conditions:
Neurofibromatosis, type 1 (NF1). Also called: Neurofibromatosis, type I; VON RECKLINGHAUSEN DISEASE; NEUROFIBROMATOSIS, TYPE I, SOMATIC; Peripheral type neurofibromatosis. Identifiers: Orphanet 636, MedGen C0027831, MONDO:0018975, OMIM 162200. Disease mechanism: loss of function.

Submission:

Juno Genomics, Hangzhou Juno Genomics, Inc
Classification: Pathogenic for Neurofibromatosis, type 1. Review status: criteria provided, single submitter. Criteria: ACMG Guidelines, 2015. Collection method: clinical testing. Allele origin: germline. Affected: yes.
Comment: Absent from controls (or at extremely low frequency if recessive) in Genome Aggregation Database, Exome Sequencing Project, 1000 Genomes Project, or Exome Aggregation Consortium.;Null variant in a gene where loss of function (LOF) is a known mechanism of disease.;Assumed de novo, but without confirmation of paternity and maternity.;Patient's phenotype or family history is highly specific for a disease with a single genetic etiology.

NM_001042492.3(NF1):c.5251_5252del (p.Thr1751fs)

Gene: NF1 (neurofibromin 1; plus strand). Cytogenetic location: 17q11.2.
Variant type: Microsatellite.
Coding change: c.5251_5252del on transcript NM_001042492.3 (MANE Select); coding-DNA positions 5251 to 5252, 2 bases deleted (AC; older notation c.5251_5252delAC).
Protein change: p.Thr1751fs; shifts the reading frame from threonine 1751.
Molecular consequence: frameshift variant.
Genome position (GRCh38, 1-based): chr17:31,326,235-31,326,236, AC deleted; deleting any 2 consecutive bases within chr17:31,326,233-31,326,236 gives the same sequence; the c. name uses the placement nearest the transcript's 3' end. VCF-style (leftmost placement, unchanged base first): chr17-31326232-GAC-G. GRCh37 (hg19) VCF-style: chr17-29653250-GAC-G.
Other names: c.5186_5187AC[1], p.Thr1730Glnfs (NM_000267.4); short protein forms T1730fs, T1751fs.
Identifiers: ClinVar variation 3382483 (VCV003382483.2).